The following is an entry in ClinVar:

NM_001271.4(CHD2):c.457C>G (p.Gln153Glu)

Gene: CHD2 (chromodomain helicase DNA binding protein 2; plus strand). Cytogenetic location: 15q26.1.
Variant type: single nucleotide variant.
Coding change: c.457C>G on transcript NM_001271.4 (MANE Select); coding-DNA position 457, C replaced by G.
Protein change: p.Gln153Glu; replaces glutamine 153 with glutamic acid.
Molecular consequence: missense variant.
Genome position (GRCh38, 1-based): chr15:92,937,531, C>G. VCF-style: chr15-92937531-C-G. GRCh37 (hg19) VCF-style: chr15-93480761-C-G.
Other names: c.457C>G, p.Gln153Glu (NM_001042572.3); short protein forms Q153E.
Identifiers: ClinVar variation 411858 (VCV000411858.31), dbSNP rs755510106, ClinGen allele CA7747537.

ClinVar aggregate classification (germline): Conflicting classifications of pathogenicity. Review status: criteria provided, conflicting classifications (1 of 4 stars). 3 submissions from 3 submitters: Uncertain significance (1); Likely benign (2). Last evaluated 2025-07-30.

Conditions:
Developmental and epileptic encephalopathy 94 (DEE94). Also called: Epileptic encephalopathy, childhood-onset; CHD2-Related Neurodevelopmental Disorders. Identifiers: Orphanet 1942, Orphanet 2382, MedGen C3809278, MONDO:0014150, OMIM 615369.

Allele frequency attached by ClinVar (database versions not stated): gnomAD below 0.00001 and 0.00002; ExAC 0.00001; gnomAD exomes 0.00002 and 0.00003.
gnomAD v4.1: 47 of 1,607,314 alleles (0.0029%); highest among the groups gnomAD compares: South Asian, 0.049%; no homozygotes.

Submissions (3):

Labcorp Genetics (formerly Invitae), Labcorp
Classification: Uncertain significance for Developmental and epileptic encephalopathy 94. Last evaluated: 2025-07-30. Review status: criteria provided, single submitter. Criteria: Invitae Variant Classification Sherloc (09022015). Collection method: clinical testing. Allele origin: germline.
Comment: This sequence change replaces glutamine, which is neutral and polar, with glutamic acid, which is acidic and polar, at codon 153 of the CHD2 protein (p.Gln153Glu). This variant is present in population databases (rs755510106, gnomAD 0.02%). This variant has not been reported in the literature in individuals affected with CHD2-related conditions. ClinVar contains an entry for this variant (Variation ID: 411858). Invitae Evidence Modeling of protein sequence and biophysical properties (such as structural, functional, and spatial information, amino acid conservation, physicochemical variation, residue mobility, and thermodynamic stability) indicates that this missense variant is not expected to disrupt CHD2 protein function with a negative predictive value of 95%. In summary, the available evidence is currently insufficient to determine the role of this variant in disease. Therefore, it has been classified as a Variant of Uncertain Significance.

CeGaT Center for Human Genetics Tuebingen
Classification: Likely benign. Last evaluated: 2022-07-01. Review status: criteria provided, single submitter. Criteria: CeGaT Center For Human Genetics Tuebingen Variant Classification Criteria Version 2. Collection method: clinical testing. Allele origin: germline. Affected: yes. Observed: 1 variant allele.
Comment: CHD2: BP4, BS2

GeneDx
Classification: Likely benign. Last evaluated: 2018-01-23. Review status: criteria provided, single submitter. Criteria: GeneDx Variant Classification (06012015). Collection method: clinical testing. Allele origin: germline. Affected: yes.
Comment: This variant is considered likely benign or benign based on one or more of the following criteria: it is a conservative change, it occurs at a poorly conserved position in the protein, it is predicted to be benign by multiple in silico algorithms, and/or has population frequency not consistent with disease.